The following is an entry in ClinVar:

ClinVar aggregate classification (germline): Uncertain significance (1 of 4 stars; one submission).

Conditions:
Febrile seizures, familial, 11 (FEB11). Also called: CONVULSIONS, FAMILIAL FEBRILE, 11. Identifiers: MedGen C3280734, MONDO:0024566, OMIM 614418.

Submission:

Labcorp Genetics (formerly Invitae), Labcorp
Classification: Uncertain significance for Febrile seizures, familial, 11. Last evaluated: 2022-02-03. Review status: criteria provided, single submitter. Criteria: Invitae Variant Classification Sherloc (09022015). Collection method: clinical testing. Allele origin: germline.
Comment: This sequence change replaces phenylalanine, which is neutral and non-polar, with leucine, which is neutral and non-polar, at codon 21 of the CPA6 protein (p.Phe21Leu). In summary, the available evidence is currently insufficient to determine the role of this variant in disease. Therefore, it has been classified as a Variant of Uncertain Significance. Algorithms developed to predict the effect of missense changes on protein structure and function output the following: SIFT: "Tolerated"; PolyPhen-2: "Benign"; Align-GVGD: "Class C0". The leucine amino acid residue is found in multiple mammalian species, which suggests that this missense change does not adversely affect protein function. ClinVar contains an entry for this variant (Variation ID: 1023810). This variant has not been reported in the literature in individuals affected with CPA6-related conditions. This variant is not present in population databases (gnomAD no frequency).

NM_020361.5(CPA6):c.63T>G (p.Phe21Leu)

Gene: CPA6 (carboxypeptidase A6; minus strand). Cytogenetic location: 8q13.2.
Variant type: single nucleotide variant.
Coding change: c.63T>G on transcript NM_020361.5 (MANE Select); coding-DNA position 63, T replaced by G.
Protein change: p.Phe21Leu; replaces phenylalanine 21 with leucine.
Molecular consequence: missense variant.
Genome position (GRCh38, 1-based): chr8:67,746,067, A>C on the plus strand (T>G on the coding strand, the complement: CPA6 is on the minus strand). VCF-style: chr8-67746067-A-C. GRCh37 (hg19) VCF-style: chr8-68658302-A-C.
Other names: short protein forms F21L.
Identifiers: ClinVar variation 1023810 (VCV001023810.8), dbSNP rs1818002133, ClinGen allele CA371262554.